The following is an entry in ClinVar:

ClinVar aggregate classification (germline): Likely pathogenic (1 of 4 stars; one submission).

Conditions:
Leydig cell agenesis. Also called: HYPERGONADOTROPIC HYPOGONADISM, MALE, DUE TO LHCGR DEFECT; LEYDIG CELL HYPOPLASIA, COMPLETE; LEYDIG CELL HYPOPLASIA WITH MALE PSEUDOHERMAPHRODITISM; Leydig cell hypoplasia, type 1. Identifiers: MedGen C0266432, MONDO:0009384, OMIM 238320.

gnomAD v4.1: 5 of 1,614,080 alleles (0.00031%); highest among the groups gnomAD compares: South Asian, 0.0022%; no homozygotes.

Submission:

Center of Excellence of Human Genetics, National Research Center
Classification: Likely pathogenic for Leydig cell agenesis. Review status: criteria provided, single submitter. Criteria: ACMG Guidelines, 2015. Collection method: clinical testing. Allele origin: germline. Affected: yes.
Comment: the c.1024C>T p.R342* rs748746872 variant in LHCGR is a stop gained variant impacting exon 11 of LHCGR, with a reported gnomAD overall allele frequency of 0.000340% and no homozygous individuals observed, and with a CADD score of 37.0. This variant has been classified, according to ACMG/AMP criteria, as likely pathogenic

Literature cited by the submitters: PubMed 32666356.

NM_000233.4(LHCGR):c.1024C>T (p.Arg342Ter)

Genes: LHCGR (luteinizing hormone/choriogonadotropin receptor; minus strand), STON1-GTF2A1L (STON1-GTF2A1L readthrough; plus strand). Cytogenetic location: 2p16.3.
Variant type: single nucleotide variant.
Coding change: c.1024C>T on transcript NM_000233.4 (MANE Select); coding-DNA position 1024, C replaced by T.
Protein change: p.Arg342Ter; replaces arginine 342 with a stop codon.
Molecular consequence: nonsense. On other transcripts: intron variant (1).
Genome position (GRCh38, 1-based): chr2:48,688,773, G>A on the plus strand (C>T on the coding strand, the complement: LHCGR is on the minus strand). VCF-style: chr2-48688773-G-A. GRCh37 (hg19) VCF-style: chr2-48915912-G-A.
Other names: c.3441+17093G>A (NM_001198593.2); short protein forms R342*.
Identifiers: ClinVar variation 5038452 (VCV005038452.1).
Genomic context (GRCh38, chr2:48,688,773, plus strand): 5'-GGAAGTCATAGCCCATAATATCTTCACAGGGATTAAAAGCATCTGGTTCAGGAGCACATC[G>A]GGGTGTCTTGGGTAAGCAGAAACCATATTCATAGTCCCAGCCACTCAGTTCACTCTCAGC-3'